The following is an entry in ClinVar:

ClinVar aggregate classification (germline): Uncertain significance. Review status: criteria provided, multiple submitters, no conflicts (2 of 4 stars). 2 submissions from 2 submitters: Uncertain significance (2). Last evaluated 2024-01-13.

Conditions:
Peutz-Jeghers syndrome (PJS). Also called: POLYPOSIS, HAMARTOMATOUS INTESTINAL; POLYPS-AND-SPOTS SYNDROME; Peutz-Jeghers polyposis; Periorificial lentiginosis syndrome. Identifiers: Orphanet 2869, MedGen C0031269, MeSH D010580, MONDO:0008280, OMIM 175200.
Hereditary cancer-predisposing syndrome. Also called: Neoplastic Syndromes, Hereditary; Hereditary Cancer Syndrome; Tumor predisposition; Hereditary neoplastic syndrome. Identifiers: Orphanet 140162, MedGen C0027672, MeSH D009386, MONDO:0015356.

Submissions (2):

Labcorp Genetics (formerly Invitae), Labcorp
Classification: Uncertain significance for Peutz-Jeghers syndrome. Last evaluated: 2024-01-13. Review status: criteria provided, single submitter. Criteria: Invitae Variant Classification Sherloc (09022015). Collection method: clinical testing. Allele origin: germline.
Comment: This sequence change replaces aspartic acid, which is acidic and polar, with tyrosine, which is neutral and polar, at codon 277 of the STK11 protein (p.Asp277Tyr). This variant is not present in population databases (gnomAD no frequency). This variant has not been reported in the literature in individuals affected with STK11-related conditions. ClinVar contains an entry for this variant (Variation ID: 1037627). Advanced modeling of protein sequence and biophysical properties (such as structural, functional, and spatial information, amino acid conservation, physicochemical variation, residue mobility, and thermodynamic stability) performed at Invitae indicates that this missense variant is not expected to disrupt STK11 protein function with a negative predictive value of 80%. Experimental studies have shown that this missense change does not substantially affect STK11 function (PMID: 19892943). In summary, the available evidence is currently insufficient to determine the role of this variant in disease. Therefore, it has been classified as a Variant of Uncertain Significance.

Ambry Genetics
Classification: Uncertain significance for Hereditary cancer-predisposing syndrome. Last evaluated: 2022-03-18. Review status: criteria provided, single submitter. Criteria: Ambry Variant Classification Scheme 2023. Collection method: clinical testing. Allele origin: germline.
Comment: The p.D277Y variant (also known as c.829G>T), located in coding exon 6 of the STK11 gene, results from a G to T substitution at nucleotide position 829. The aspartic acid at codon 277 is replaced by tyrosine, an amino acid with highly dissimilar properties. This amino acid position is not well conserved in available vertebrate species. In addition, this alteration is predicted to be tolerated by in silico analysis. Since supporting evidence is limited at this time, the clinical significance of this alteration remains unclear.

Literature cited by the submitters: PubMed 19892943 (cited by Labcorp Genetics (formerly Invitae), Labcorp).

NM_000455.5(STK11):c.829G>T (p.Asp277Tyr)

Gene: STK11 (serine/threonine kinase 11; plus strand). Cytogenetic location: 19p13.3.
Variant type: single nucleotide variant.
Coding change: c.829G>T on transcript NM_000455.5 (MANE Select); coding-DNA position 829, G replaced by T.
Protein change: p.Asp277Tyr; replaces aspartic acid 277 with tyrosine.
Molecular consequence: missense variant.
Genome position (GRCh38, 1-based): chr19:1,221,307, G>T. VCF-style: chr19-1221307-G-T. GRCh37 (hg19) VCF-style: chr19-1221306-G-T.
Other names: short protein forms D277Y.
Identifiers: ClinVar variation 1037627 (VCV001037627.11), dbSNP rs1555738692, ClinGen allele CA402950660.